The following is an entry in ClinVar:

ClinVar aggregate classification (germline): Uncertain significance. Review status: criteria provided, multiple submitters, no conflicts (2 of 4 stars). 2 submissions from 2 submitters: Uncertain significance (2). Last evaluated 2025-09-10.

Conditions:
Hereditary cancer-predisposing syndrome. Also called: Hereditary Cancer Syndrome; Hereditary neoplastic syndrome; Neoplastic Syndromes, Hereditary; Tumor predisposition. Identifiers: Orphanet 140162, MedGen C0027672, MeSH D009386, MONDO:0015356.
Bloom syndrome (BLM). Also called: Bloom-Torre-Machacek syndrome. Identifiers: Orphanet 125, MedGen C0005859, MONDO:0008876, OMIM 210900.

Allele frequency attached by ClinVar (database versions not stated): gnomAD exomes below 0.00001; gnomAD 0.00001; TOPMed 0.00007.
gnomAD v4.1: 7 of 1,614,052 alleles (0.00043%); highest among the groups gnomAD compares: African/African-American, 0.004%; no homozygotes.

Submissions (2):

Ambry Genetics
Classification: Uncertain significance for Hereditary cancer-predisposing syndrome. Last evaluated: 2025-09-10. Review status: criteria provided, single submitter. Criteria: Ambry Variant Classification Scheme 2023. Collection method: clinical testing. Allele origin: germline.

Labcorp Genetics (formerly Invitae), Labcorp
Classification: Uncertain significance for Bloom syndrome. Last evaluated: 2025-08-07. Review status: criteria provided, single submitter. Criteria: Invitae Variant Classification Sherloc (09022015). Collection method: clinical testing. Allele origin: germline.
Comment: This sequence change replaces histidine, which is basic and polar, with arginine, which is basic and polar, at codon 996 of the BLM protein (p.His996Arg). This variant is not present in population databases (gnomAD no frequency). This variant has not been reported in the literature in individuals affected with BLM-related conditions. ClinVar contains an entry for this variant (Variation ID: 1062493). Invitae Evidence Modeling of protein sequence and biophysical properties (such as structural, functional, and spatial information, amino acid conservation, physicochemical variation, residue mobility, and thermodynamic stability) indicates that this missense variant is not expected to disrupt BLM protein function with a negative predictive value of 80%. In summary, the available evidence is currently insufficient to determine the role of this variant in disease. Therefore, it has been classified as a Variant of Uncertain Significance.

NM_000057.4(BLM):c.2987A>G (p.His996Arg)

Gene: BLM (BLM RecQ like helicase; plus strand). Cytogenetic location: 15q26.1.
Variant type: single nucleotide variant.
Coding change: c.2987A>G on transcript NM_000057.4 (MANE Select); coding-DNA position 2987, A replaced by G.
Protein change: p.His996Arg; replaces histidine 996 with arginine.
Molecular consequence: missense variant.
Genome position (GRCh38, 1-based): chr15:90,790,812, A>G. VCF-style: chr15-90790812-A-G. GRCh37 (hg19) VCF-style: chr15-91334042-A-G.
Other names: c.2987A>G, p.His996Arg (NM_001287246.2, NM_001287247.2); c.1862A>G, p.His621Arg (NM_001287248.2); short protein forms H621R, H996R.
Identifiers: ClinVar variation 1062493 (VCV001062493.11), dbSNP rs1451226538, ClinGen allele CA393846561.
Genomic context (GRCh38, chr15:90,790,812, plus strand): 5'-AATCTGGCAGAGCTGGAAGAGATGGGGAAATATCTCACTGCCTGCTTTTCTATACCTATC[A>G]TGATGTGACCAGACTGAAAAGACTTATAATGAGTAAGCTGGGCTCCATTGTAGAGACATT-3'
Protein context (NP_000048.1, residues 986-1006): ISHCLLFYTY[His996Arg]DVTRLKRLIM